The following is an entry in ClinVar:

ClinVar aggregate classification (germline): Uncertain significance. Review status: criteria provided, multiple submitters, no conflicts (2 of 4 stars). 2 submissions from 2 submitters: Uncertain significance (2). Last evaluated 2024-02-05.

Conditions:
Nephronophthisis 16 (NPHP16). Identifiers: Orphanet 655, MedGen C3809320, MONDO:0014158, OMIM 615382.

Allele frequency attached by ClinVar (database versions not stated): gnomAD 0.00001; TOPMed 0.00001.
gnomAD v4.1: 16 of 1,613,914 alleles (0.00099%); highest among the groups gnomAD compares: South Asian, 0.0077%; no homozygotes.

Submissions (2):

Blueprint Genetics
Classification: Uncertain significance. Last evaluated: 2024-02-05. Review status: criteria provided, single submitter. Criteria: ACMG Guidelines, 2015. Collection method: clinical testing. Allele origin: germline.

Labcorp Genetics (formerly Invitae), Labcorp
Classification: Uncertain significance for Nephronophthisis 16. Last evaluated: 2021-12-24. Review status: criteria provided, single submitter. Criteria: Invitae Variant Classification Sherloc (09022015). Collection method: clinical testing. Allele origin: germline.
Comment: This variant is present in population databases (no rsID available, gnomAD 0.006%). This sequence change replaces aspartic acid, which is acidic and polar, with asparagine, which is neutral and polar, at codon 450 of the ANKS6 protein (p.Asp450Asn). This variant has not been reported in the literature in individuals affected with ANKS6-related conditions. Algorithms developed to predict the effect of missense changes on protein structure and function are either unavailable or do not agree on the potential impact of this missense change (SIFT: "Deleterious"; PolyPhen-2: "Benign"; Align-GVGD: "Class C0"). In summary, the available evidence is currently insufficient to determine the role of this variant in disease. Therefore, it has been classified as a Variant of Uncertain Significance.

NM_173551.5(ANKS6):c.1348G>A (p.Asp450Asn)

Gene: ANKS6 (ankyrin repeat and sterile alpha motif domain containing 6; minus strand). Cytogenetic location: 9q22.33.
Variant type: single nucleotide variant.
Coding change: c.1348G>A on transcript NM_173551.5 (MANE Select); coding-DNA position 1348, G replaced by A.
Protein change: p.Asp450Asn; replaces aspartic acid 450 with asparagine.
Molecular consequence: missense variant.
Genome position (GRCh38, 1-based): chr9:98,780,209, C>T on the plus strand (G>A on the coding strand, the complement: ANKS6 is on the minus strand). VCF-style: chr9-98780209-C-T. GRCh37 (hg19) VCF-style: chr9-101542491-C-T.
Other names: short protein forms D450N.
Identifiers: ClinVar variation 2062532 (VCV002062532.5), dbSNP rs1331727354, ClinGen allele CA374216051.
Genomic context (GRCh38, chr9:98,780,209, plus strand): 5'-CCCTAGCCCCCAAGCCCCTTTAAGACAGGAAAAGGCAAACCTTCAGTCCACCCTTGTCAT[C>T]GGGCAGCACTGGGATGCTCCAGGGCTGTCGGACCTTCGAGTGGGGCAGGGGAGGCTGGTG-3'
Protein context (NP_775822.3, residues 440-460): RQPWSIPVLP[Asp450Asn]DKGGLKSWWN